The following is an entry in ClinVar:

ClinVar aggregate classification (germline): Uncertain significance. Review status: criteria provided, multiple submitters, no conflicts (2 of 4 stars). 2 submissions from 2 submitters: Uncertain significance (2). Last evaluated 2024-04-25.

Conditions:
Hereditary pancreatitis (PCTT). Also called: PRSS1-Related Hereditary Pancreatitis; Hereditary chronic pancreatitis. Identifiers: Orphanet 676, MedGen C0238339, MONDO:0008185, OMIM 167800.

gnomAD v4.1: 8 of 1,613,100 alleles (0.0005%); highest among the groups gnomAD compares: East Asian, 0.011%; no homozygotes.

Submissions (2):

Labcorp Genetics (formerly Invitae), Labcorp
Classification: Uncertain significance for Hereditary pancreatitis. Last evaluated: 2024-04-25. Review status: criteria provided, single submitter. Criteria: Invitae Variant Classification Sherloc (09022015). Collection method: clinical testing. Allele origin: germline.
Comment: This sequence change replaces glutamic acid, which is acidic and polar, with lysine, which is basic and polar, at codon 55 of the PRSS1 protein (p.Glu55Lys). This variant is not present in population databases (gnomAD no frequency). This variant has not been reported in the literature in individuals affected with PRSS1-related conditions. ClinVar contains an entry for this variant (Variation ID: 959183). Advanced modeling of protein sequence and biophysical properties (such as structural, functional, and spatial information, amino acid conservation, physicochemical variation, residue mobility, and thermodynamic stability) performed at Invitae indicates that this missense variant is not expected to disrupt PRSS1 protein function with a negative predictive value of 80%. In summary, the available evidence is currently insufficient to determine the role of this variant in disease. Therefore, it has been classified as a Variant of Uncertain Significance.

Ambry Genetics
Classification: Uncertain significance for Hereditary pancreatitis. Last evaluated: 2024-04-06. Review status: criteria provided, single submitter. Criteria: Ambry Variant Classification Scheme 2023. Collection method: clinical testing. Allele origin: germline.
Comment: The p.E55K variant (also known as c.163G>A), located in coding exon 2 of the PRSS1 gene, results from a G to A substitution at nucleotide position 163. The glutamic acid at codon 55 is replaced by lysine, an amino acid with similar properties. This amino acid position is conserved. In addition, this alteration is predicted to be tolerated by in silico analysis. Since supporting evidence is limited at this time, the clinical significance of this alteration remains unclear.

NM_002769.5(PRSS1):c.163G>A (p.Glu55Lys)

Genes: PRSS1 (serine protease 1; plus strand), TRB (T cell receptor beta locus; plus strand). Cytogenetic location: 7q34.
Variant type: single nucleotide variant.
Coding change: c.163G>A on transcript NM_002769.5 (MANE Select); coding-DNA position 163, G replaced by A.
Protein change: p.Glu55Lys; replaces glutamic acid 55 with lysine.
Molecular consequence: missense variant.
Genome position (GRCh38, 1-based): chr7:142,750,677, G>A. VCF-style: chr7-142750677-G-A. GRCh37 (hg19) VCF-style: chr7-142458528-G-A.
Other names: short protein forms E55K.
Identifiers: ClinVar variation 959183 (VCV000959183.12), dbSNP rs1365488828, ClinGen allele CA369607458.